The following is an entry in ClinVar:

NM_004991.4(MECOM):c.3646T>A (p.Ser1216Thr)

Gene: MECOM (MDS1 and EVI1 complex locus; minus strand). Cytogenetic location: 3q26.2.
Variant type: single nucleotide variant.
Coding change: c.3646T>A on transcript NM_004991.4 (MANE Select); coding-DNA position 3646, T replaced by A.
Protein change: p.Ser1216Thr; replaces serine 1216 with threonine.
Molecular consequence: missense variant.
Genome position (GRCh38, 1-based): chr3:169,084,983, A>T on the plus strand (T>A on the coding strand, the complement: MECOM is on the minus strand). VCF-style: chr3-169084983-A-T. GRCh37 (hg19) VCF-style: chr3-168802771-A-T.
Other names: c.3277T>A, p.Ser1093Thr (NM_001105077.4); c.3082T>A, p.Ser1028Thr (NM_001105078.4, NM_001205194.2, NM_001366469.2 and 1 more transcripts); c.3058T>A, p.Ser1020Thr (NM_001163999.2, NM_001366470.2); c.3055T>A, p.Ser1019Thr (NM_001164000.2, NM_001366471.2, NM_001366472.2); c.3619T>A, p.Ser1207Thr (NM_001366466.2); c.3085T>A, p.Ser1029Thr (NM_001366467.2, NM_001366468.2); c.2647T>A, p.Ser883Thr (NM_001366473.2); c.2083T>A, p.Ser695Thr (NM_001366474.2); short protein forms S1020T, S1093T, S1207T, S1216T, S1029T, S695T, S1019T, S1028T.
Identifiers: ClinVar variation 3871641 (VCV003871641.1).

ClinVar aggregate classification (germline): Uncertain significance (1 of 4 stars; one submission).

Conditions:
Inborn genetic diseases. Identifiers: MedGen C0950123, MeSH D030342.

gnomAD v4.1: 2 of 1,614,142 alleles (0.00012%); highest among the groups gnomAD compares: Non-Finnish European, 0.00017%; no homozygotes.

Submission:

Ambry Genetics
Classification: Uncertain significance for Inborn genetic diseases. Last evaluated: 2024-12-25. Review status: criteria provided, single submitter. Criteria: Ambry Variant Classification Scheme 2023. Collection method: clinical testing. Allele origin: germline.
Comment: The p.S1216T variant (also known as c.3646T>A), located in coding exon 17 of the MECOM gene, results from a T to A substitution at nucleotide position 3646. The serine at codon 1216 is replaced by threonine, an amino acid with similar properties. This amino acid position is conserved. In addition, this alteration is predicted to be tolerated by in silico analysis. Based on the available evidence, the clinical significance of this variant remains unclear.